The following is an entry in ClinVar:

ClinVar aggregate classification (germline): Uncertain significance (1 of 4 stars; one submission).

Allele frequency attached by ClinVar (database versions not stated): gnomAD exomes below 0.00001.
gnomAD v4.1: 1 of 1,585,546 alleles (0.000063%); highest among the groups gnomAD compares: Non-Finnish European, 0.000086%; no homozygotes.

Submission:

CeGaT Center for Human Genetics Tuebingen
Classification: Uncertain significance. Last evaluated: 2024-06-01. Review status: criteria provided, single submitter. Criteria: CeGaT Center For Human Genetics Tuebingen Variant Classification Criteria Version 2. Collection method: clinical testing. Allele origin: germline. Affected: yes. Observed: 1 variant allele.
Comment: TTN: PM2, BP4

NM_001267550.2(TTN):c.39800A>T (p.Glu13267Val)

Gene: TTN (titin; minus strand). Cytogenetic location: 2q31.2.
Variant type: single nucleotide variant.
Coding change: c.39800A>T on transcript NM_001267550.2 (MANE Select); coding-DNA position 39800, A replaced by T.
Protein change: p.Glu13267Val; replaces glutamic acid 13267 with valine.
Molecular consequence: missense variant. On other transcripts: intron variant (3).
Genome position (GRCh38, 1-based): chr2:178,650,181, T>A on the plus strand (A>T on the coding strand, the complement: TTN is on the minus strand). VCF-style: chr2-178650181-T-A. GRCh37 (hg19) VCF-style: chr2-179514908-T-A.
Other names: c.35279A>T, p.Glu11760Val (NM_001256850.1); c.32498A>T, p.Glu10833Val (NM_133378.4); c.13283-7864A>T (NM_003319.4); c.13859-7864A>T (NM_133437.4); c.13658-7864A>T (NM_133432.3); short protein forms E10833V, E11760V, E13267V.
Identifiers: ClinVar variation 3250768 (VCV003250768.18), dbSNP rs1485429974.
Genomic context (GRCh38, chr2:178,650,181, plus strand): 5'-TGAAATGACTGTATTTTCCCATACAGTGGATTCTGCTTTGTACCTGCTGGAGGTGGAACC[T>A]CTGGTTCCTCCTCTTCTGCAACAGGAACTGGCTTTTCCTCTTCAGGAGCAATTTCCTCTT-3'
Protein context (NP_001254479.2, residues 13257-13277): PVPVAEEEEP[Glu13267Val]VPPPAVPEEP